The following is an entry in ClinVar:

ClinVar aggregate classification (germline): Uncertain significance (1 of 4 stars; one submission).

Allele frequency attached by ClinVar (database versions not stated): gnomAD exomes below 0.00001.
gnomAD v4.1: 1 of 1,211,710 alleles (0.000083%); highest among the groups gnomAD compares: Non-Finnish European, 0.00011%; no homozygotes.

Submission:

CeGaT Center for Human Genetics Tuebingen
Classification: Uncertain significance. Last evaluated: 2023-07-01. Review status: criteria provided, single submitter. Criteria: CeGaT Center For Human Genetics Tuebingen Variant Classification Criteria Version 2. Collection method: clinical testing. Allele origin: germline. Affected: yes. Observed: 1 variant allele.
Comment: NXF3: PM2, BP4

NM_022052.2(NXF3):c.293A>G (p.Glu98Gly)

Gene: NXF3 (nuclear RNA export factor 3; minus strand). Cytogenetic location: Xq22.1.
Variant type: single nucleotide variant.
Coding change: c.293A>G on transcript NM_022052.2 (MANE Select); coding-DNA position 293, A replaced by G.
Protein change: p.Glu98Gly; replaces glutamic acid 98 with glycine.
Molecular consequence: missense variant.
Genome position (GRCh38, 1-based): chrX:103,084,400, T>C on the plus strand (A>G on the coding strand, the complement: NXF3 is on the minus strand). VCF-style: chrX-103084400-T-C. GRCh37 (hg19) VCF-style: chrX-102339328-T-C.
Other names: short protein forms E98G.
Identifiers: ClinVar variation 2661090 (VCV002661090.24), dbSNP rs2520518040, ClinGen allele CA414081962.